The following is an entry in ClinVar:

ClinVar aggregate classification (germline): Benign. Review status: criteria provided, multiple submitters, no conflicts (2 of 4 stars). 2 submissions from 2 submitters: Benign (2). Last evaluated 2018-01-13.

Conditions:
T-B+ severe combined immunodeficiency due to JAK3 deficiency. Also called: SCID, autosomal recessive, T-negative/B-positive type; SCID, T CELL-NEGATIVE, B CELL-POSITIVE, NK CELL-NEGATIVE. Identifiers: Orphanet 35078, MedGen C1833275, MONDO:0010938, OMIM 600802.

Allele frequency attached by ClinVar (database versions not stated): TOPMed 0.25310; gnomAD 0.24343 and 0.25138; gnomAD exomes 0.15153; 1000 Genomes Project 0.21945; 1000 Genomes Project 30x 0.22455.
gnomAD v4.1: 42,744 of 190,612 alleles (22%); highest among the groups gnomAD compares: African/African-American, 45%; 6,423 homozygotes.

Submissions (2):

Illumina Laboratory Services, Illumina
Classification: Benign for T-B+ severe combined immunodeficiency due to JAK3 deficiency. Last evaluated: 2018-01-13. Review status: criteria provided, single submitter. Criteria: ICSL Variant Classification Criteria 13 December 2019. Collection method: clinical testing. Allele origin: germline.
Comment: This variant was observed in the ICSL laboratory as part of a predisposition screen in an ostensibly healthy population. It had not been previously curated by ICSL or reported in the Human Gene Mutation Database (HGMD: prior to June 1st, 2018), and was therefore a candidate for classification through an automated scoring system. Utilizing variant allele frequency, disease prevalence and penetrance estimates, and inheritance mode, an automated score was calculated to assess if this variant is too frequent to cause the disease. Based on the score and internal cut-off values, a variant classified as benign is not then subjected to further curation. The score for this variant resulted in a classification of benign for this disease.

Breakthrough Genomics
Classification: Benign. Review status: criteria provided, single submitter. Criteria: ACMG Guidelines, 2015. Collection method: not provided. Allele origin: germline. Inheritance: Autosomal recessive inheritance. Affected: yes.

NM_000215.4(JAK3):c.*448C>A

Gene: JAK3 (Janus kinase 3; minus strand). Cytogenetic location: 19p13.11.
Variant type: single nucleotide variant.
Coding change: c.*448C>A on transcript NM_000215.4 (MANE Select); 448 bases downstream of the stop codon, C replaced by A.
Molecular consequence: 3 prime UTR variant.
Genome position (GRCh38, 1-based): chr19:17,826,295, G>T on the plus strand (C>A on the coding strand, the complement: JAK3 is on the minus strand). VCF-style: chr19-17826295-G-T. GRCh37 (hg19) VCF-style: chr19-17937104-G-T.
Identifiers: ClinVar variation 328488 (VCV000328488.6), dbSNP rs3212802, ClinGen allele CA10651611.